The following is an entry in ClinVar:

NM_004523.4(KIF11):c.1121TTA[1] (p.Ile375del)

Gene: KIF11 (kinesin family member 11; plus strand). Cytogenetic location: 10q23.33.
Variant type: Microsatellite.
Coding change: c.1121TTA[1] on transcript NM_004523.4 (MANE Select); one copy of the 3-base unit TTA starting at c.1121; the reference has two copies in a row; one copy, 3 bases deleted.
Protein change: p.Ile375del; deletes isoleucine 375.
Molecular consequence: inframe deletion.
Genome position (GRCh38, 1-based): chr10:92,616,828-92,616,830, TTA deleted; deleting any 3 consecutive bases within chr10:92,616,825-92,616,830 gives the same sequence; the position shown is the placement nearest the transcript's 3' end. VCF-style (leftmost placement, unchanged base first): chr10-92616824-CTTA-C. GRCh37 (hg19) VCF-style: chr10-94376581-CTTA-C.
Other names: short protein forms I375del.
Identifiers: ClinVar variation 2757370 (VCV002757370.3), dbSNP rs2492495336, ClinGen allele CA2697558655.

ClinVar aggregate classification (germline): Likely pathogenic (1 of 4 stars; one submission).

Submission:

Labcorp Genetics (formerly Invitae), Labcorp
Classification: Likely pathogenic. Last evaluated: 2023-10-10. Review status: criteria provided, single submitter. Criteria: Invitae Variant Classification Sherloc (09022015). Collection method: clinical testing. Allele origin: germline.
Comment: This variant, c.1124_1126del, results in the deletion of 1 amino acid(s) of the KIF11 protein (p.Ile375del), but otherwise preserves the integrity of the reading frame. This variant is not present in population databases (gnomAD no frequency). This variant has been observed in individual(s) with clinical features of KIF11-related conditions (Invitae). In at least one individual the variant was observed to be de novo. Experimental studies and prediction algorithms are not available or were not evaluated, and the functional significance of this variant is currently unknown. In summary, the currently available evidence indicates that the variant is pathogenic, but additional data are needed to prove that conclusively. Therefore, this variant has been classified as Likely Pathogenic.